The following is an entry in ClinVar:

NM_000059.4(BRCA2):c.5076del (p.Trp1692fs)

Gene: BRCA2 (BRCA2 DNA repair associated; plus strand). Cytogenetic location: 13q13.1.
Variant type: Deletion.
Coding change: c.5076del on transcript NM_000059.4 (MANE Select); coding-DNA position 5076, one base deleted (G; older notation c.5076delG).
Protein change: p.Trp1692fs; shifts the reading frame from tryptophan 1692.
Molecular consequence: frameshift variant.
Genome position (GRCh38, 1-based): chr13:32,339,431, G deleted; the last of 2 consecutive G bases (chr13:32,339,430-32,339,431); deleting either gives the same sequence. VCF-style (leftmost placement, unchanged base first): chr13-32339429-TG-T. GRCh37 (hg19) VCF-style: chr13-32913566-TG-T.
Other names: c.5076delG (NM_000059.3); short protein forms W1692fs.
Identifiers: ClinVar variation 233618 (VCV000233618.7), dbSNP rs876660524, ClinGen allele CA10579645.

ClinVar aggregate classification (germline): Pathogenic. Review status: reviewed by expert panel (3 of 4 stars). 3 submissions from 3 submitters: Pathogenic (1). 2 of the submissions do not count toward it. Last evaluated 2017-12-15.

Conditions:
Hereditary cancer-predisposing syndrome. Also called: Tumor predisposition; Hereditary Cancer Syndrome; Hereditary neoplastic syndrome; Neoplastic Syndromes, Hereditary. Identifiers: Orphanet 140162, MedGen C0027672, MeSH D009386, MONDO:0015356.
Hereditary breast ovarian cancer syndrome. Also called: Hereditary breast and ovarian cancer; Breast and ovarian cancer; BRCA1- and BRCA2-Associated Hereditary Breast and Ovarian Cancer; Hereditary breast and ovarian cancer syndrome; Hereditary breast and ovarian cancer syndrome (HBOC); Hereditary breast and/or ovarian cancer syndrome. Identifiers: Orphanet 145, MedGen C0677776, MeSH D061325, MONDO:0003582. Disease mechanism: loss of function.
Breast-ovarian cancer, familial, susceptibility to, 2 (BROVCA2). Also called: BRCA2 Hereditary Breast and Ovarian Cancer. Identifiers: Orphanet 145, MedGen C2675520, MONDO:0012933, OMIM 612555. Disease mechanism: loss of function.

Submissions (3):

Evidence-based Network for the Interpretation of Germline Mutant Alleles (ENIGMA)
Classification: Pathogenic for Breast-ovarian cancer, familial, susceptibility to, 2. Last evaluated: 2017-12-15. Review status: reviewed by expert panel. Criteria: ENIGMA BRCA1/2 Classification Criteria (2017-06-29). Collection method: curation. Allele origin: germline. Study: ENIGMA.
Comment: Variant allele predicted to encode a truncated non-functional protein.

Ambry Genetics
Classification: Pathogenic for Hereditary cancer-predisposing syndrome. Last evaluated: 2024-04-25. Review status: criteria provided, single submitter. Criteria: Ambry Variant Classification Scheme 2023. Collection method: clinical testing. Allele origin: germline. Not counted in ClinVar's aggregate classification.
Comment: The c.5076delG pathogenic mutation, located in coding exon 10 of the BRCA2 gene, results from a deletion of one nucleotide at nucleotide position 5076, causing a translational frameshift with a predicted alternate stop codon (p.W1692Cfs*14). This variant is considered to be rare based on population cohorts in the Genome Aggregation Database (gnomAD). This alteration is expected to result in loss of function by premature protein truncation or nonsense-mediated mRNA decay. As such, this alteration is interpreted as a disease-causing mutation.

Women's Health and Genetics/Laboratory Corporation of America, LabCorp
Classification: Pathogenic for Hereditary breast ovarian cancer syndrome. Last evaluated: 2022-03-27. Review status: criteria provided, single submitter. Criteria: LabCorp Variant Classification Summary - May 2015. Collection method: clinical testing. Allele origin: germline. Not counted in ClinVar's aggregate classification.
Comment: Variant summary: BRCA2 c.5076delG (p.Trp1692CysfsX14) results in a premature termination codon, predicted to cause a truncation of the encoded protein or absence of the protein due to nonsense mediated decay, which are commonly known mechanisms for disease. Truncations downstream of this position have been classified as pathogenic by our laboratory. The variant was absent in 235090 control chromosomes. c.5076delG has been reported in the literature among incidental germline mutations in patients with advanced solid tumors undergoing cell-free circulating tumor DNA sequencing and in individuals with Ovarian and/or Breast Cancer (example, Slavin_2018, Li_2021, Chen_2020). These data indicate that the variant is likely to be associated with disease. Two clinical diagnostic laboratories and an expert panel (ENIGMA) have submitted clinical-significance assessments for this variant to ClinVar after 2014 without evidence for independent evaluation. All submitters classified the variant as pathogenic/likely pathogenic. Based on the evidence outlined above, the variant was classified as pathogenic.

Literature cited by the submitters: PubMed 30339520 (cited by Women's Health and Genetics/Laboratory Corporation of America, LabCorp); PubMed 32091409 (cited by Women's Health and Genetics/Laboratory Corporation of America, LabCorp); PubMed 34046351 (cited by Women's Health and Genetics/Laboratory Corporation of America, LabCorp).